The following is an entry in ClinVar:

ClinVar aggregate classification (germline): Benign. Review status: no assertion criteria provided (0 of 4 stars). 2 submissions from 2 submitters: Benign (1). 1 of the submissions does not count toward it. Last evaluated 2010-05-11.

Conditions:
Central core myopathy (CMYO1A). Also called: Central core disease; Myopathy, central fibrillar; CONGENITAL MYOPATHY 1A, AUTOSOMAL DOMINANT, WITH SUSCEPTIBILITY TO MALIGNANT HYPERTHERMIA. Identifiers: Orphanet 597, MedGen C5830701, MONDO:0007294, OMIM 117000.

Submissions (2):

GeneReviews
Classification: Benign for Central Core Disease. Last evaluated: 2010-05-11. Review status: no assertion criteria provided. Collection method: curation. Allele origin: unknown.
ClinVar note: Converted during submission from non-pathogenic to Benign.

RYR1 database
No classification provided. Review status: no classification provided. Collection method: not provided. Allele origin: unknown. Not counted in ClinVar's aggregate classification.

NM_000540.3(RYR1):c.5495G>C (p.Gly1832Ala)

Gene: RYR1 (ryanodine receptor 1; plus strand). Cytogenetic location: 19q13.2.
Variant type: single nucleotide variant.
Coding change: c.5495G>C on transcript NM_000540.3 (MANE Select); coding-DNA position 5495, G replaced by C.
Protein change: p.Gly1832Ala; replaces glycine 1832 with alanine.
Molecular consequence: missense variant.
Genome position (GRCh38, 1-based): chr19:38,486,150, G>C. VCF-style: chr19-38486150-G-C. GRCh37 (hg19) VCF-style: chr19-38976790-G-C.
Other names: c.5495G>C, p.Gly1832Ala (NM_001042723.2); short protein forms G1832A.
Identifiers: ClinVar variation 65817 (VCV000065817.3), dbSNP rs193922784, ClinGen allele CA024524.